The following is an entry in ClinVar:

NM_001370658.1(BTD):c.1098G>A (p.Trp366Ter)

Gene: BTD (biotinidase; plus strand). Cytogenetic location: 3p25.1.
Variant type: single nucleotide variant.
Coding change: c.1098G>A on transcript NM_001370658.1 (MANE Select); coding-DNA position 1098, G replaced by A.
Protein change: p.Trp366Ter; replaces tryptophan 366 with a stop codon.
Molecular consequence: nonsense. On other transcripts: intron variant (2).
Genome position (GRCh38, 1-based): chr3:15,645,014, G>A. VCF-style: chr3-15645014-G-A. GRCh37 (hg19) VCF-style: chr3-15686521-G-A.
Other names: c.1158G>A, p.Trp386Ter (NM_000060.4); c.1098G>A, p.Trp366Ter (NM_001281723.4, NM_001281724.3, NM_001281725.3 and 16 more transcripts); c.1015+83G>A (NM_001370752.1); c.399+2957G>A (NM_001370753.1); short protein forms W366*.
Identifiers: ClinVar variation 38569 (VCV000038569.14), dbSNP rs397514434, ClinGen allele CA278383.

ClinVar aggregate classification (germline): Pathogenic. Review status: criteria provided, multiple submitters, no conflicts (2 of 4 stars). 5 submissions from 5 submitters: Pathogenic (4). 1 of the submissions does not count toward it. Last evaluated 2025-07-28.

Conditions:
BTD-related disorder. Also called: BTD-related condition.
Biotinidase deficiency. Also called: BTD deficiency; Late-onset biotin-responsive multiple carboxylase deficiency; Biotin deficiency. Identifiers: Orphanet 79241, MedGen C0220754, MONDO:0009665, OMIM 253260.

Allele frequency attached by ClinVar (database versions not stated): TOPMed below 0.00001.

Submissions (5):

Myriad Genetics, Inc.
Classification: Pathogenic for Biotinidase deficiency. Last evaluated: 2025-07-28. Review status: criteria provided, single submitter. Criteria: Myriad Autosomal Dominant, Autosomal Recessive and X-Linked Classification Criteria (2023). Collection method: clinical testing. Allele origin: unknown.
Comment: NM_000060.2(BTD):c.1158G>A(W386*) is a nonsense variant classified as pathogenic in the context of biotinidase deficiency. W386* has been observed in a case with relevant disease (PMID: 27657684). Relevant functional assessments of this variant are not available in the literature. W386* has not been observed in referenced population frequency databases. In summary, NM_000060.2(BTD):c.1158G>A(W386*) is a nonsense variant in a gene where loss of function is a known mechanism of disease, is predicted to disrupt protein function, and has been observed more frequently in cases with the relevant disease than in healthy populations. Please note: this variant was assessed in the context of healthy population screening.

PreventionGenetics, part of Exact Sciences
Classification: Pathogenic for BTD-related condition. Last evaluated: 2024-12-26. Review status: criteria provided, single submitter. Criteria: ACMG Guidelines, 2015. Collection method: clinical testing. Allele origin: germline.
Comment: The BTD c.1158G>A variant is predicted to result in premature protein termination (p.Trp386*). This variant was reported along with a second pathogenic variant in an individual with profound biotinidase deficiency (Norrgard et al. 1999. PubMed ID: 10400129). This variant has not been reported in a large population database (gnomAD), indicating this variant is rare. Nonsense variants in BTD are expected to be pathogenic. This variant is interpreted as pathogenic.

Labcorp Genetics (formerly Invitae), Labcorp
Classification: Pathogenic for Biotinidase deficiency. Last evaluated: 2024-02-23. Review status: criteria provided, single submitter. Criteria: Invitae Variant Classification Sherloc (09022015). Collection method: clinical testing. Allele origin: germline.
Comment: This sequence change creates a premature translational stop signal (p.Trp386*) in the BTD gene. While this is not anticipated to result in nonsense mediated decay, it is expected to disrupt the last 158 amino acid(s) of the BTD protein. This variant is not present in population databases (gnomAD no frequency). This premature translational stop signal has been observed in individual(s) with biotinidase deficiency (PMID: 10400129, 27657684). ClinVar contains an entry for this variant (Variation ID: 38569). This variant disrupts a region of the BTD protein in which other variant(s) (p.Leu498Phefs*13) have been determined to be pathogenic (PMID: 17382128, 19728141, 29359854). This suggests that this is a clinically significant region of the protein, and that variants that disrupt it are likely to be disease-causing. For these reasons, this variant has been classified as Pathogenic.

Baylor Genetics
Classification: Pathogenic for Biotinidase deficiency. Last evaluated: 2023-04-16. Review status: criteria provided, single submitter. Criteria: ACMG Guidelines, 2015. Collection method: clinical testing. Allele origin: unknown.

Counsyl
Classification: Likely pathogenic for Biotinidase deficiency. Last evaluated: 2016-06-14. Review status: no assertion criteria provided. Collection method: clinical testing. Allele origin: unknown. Not counted in ClinVar's aggregate classification.

Literature cited by the submitters: PubMed 27657684 (cited by Myriad Genetics, Inc. and Labcorp Genetics (formerly Invitae), Labcorp); PubMed 10400129 (cited by Labcorp Genetics (formerly Invitae), Labcorp and Counsyl); PubMed 17382128 (cited by Labcorp Genetics (formerly Invitae), Labcorp); PubMed 19728141 (cited by Labcorp Genetics (formerly Invitae), Labcorp); PubMed 29359854 (cited by Labcorp Genetics (formerly Invitae), Labcorp).